The following is an entry in ClinVar:

NM_001384125.1(BLTP1):c.2919C>T (p.Ser973=)

Gene: BLTP1 (bridge-like lipid transfer protein family member 1; plus strand). Cytogenetic location: 4q27.
Variant type: single nucleotide variant.
Coding change: c.2919C>T on transcript NM_001384125.1 (MANE Select); coding-DNA position 2919, C replaced by T.
Protein change: p.Ser973=; no amino-acid change (serine 973 retained).
Molecular consequence: synonymous variant.
Genome position (GRCh38, 1-based): chr4:122,226,832, C>T. VCF-style: chr4-122226832-C-T. GRCh37 (hg19) VCF-style: chr4-123147987-C-T.
Other names: c.2919C>T, p.Ser973= (NM_015312.4).
Identifiers: ClinVar variation 3029656 (VCV003029656.2), dbSNP rs2476908612, ClinGen allele CA440923703.
Genomic context (GRCh38, chr4:122,226,832, plus strand): 5'-GGAAAGACCGAAATCAGTTATAATATGTCAGCATGGAATTGATCGTCGGTTCTGTGAATC[C>T]AAGGTATATTAACAAATATGTTAGCAATATTATAAACATTTATGAATTTTAAAAAATGGA-3'
Protein context (NP_001371054.1, residues 963-983): QHGIDRRFCE[Ser973=]KLSCIPGPCP

ClinVar aggregate classification (germline): Likely benign (0 of 4 stars; one submission).

Conditions:
BLTP1-related disorder. Also called: BLTP1-related condition.

Submission:

PreventionGenetics, part of Exact Sciences
Classification: Likely benign for BLTP1-related condition. Last evaluated: 2021-09-09. Review status: no assertion criteria provided. Collection method: clinical testing. Allele origin: germline.
Comment: This variant is classified as likely benign based on ACMG/AMP sequence variant interpretation guidelines (Richards et al. 2015 PMID: 25741868, with internal and published modifications).